The following is an entry in ClinVar:

ClinVar aggregate classification (germline): Pathogenic (1 of 4 stars; one submission).

Submission:

Labcorp Genetics (formerly Invitae), Labcorp
Classification: Pathogenic. Last evaluated: 2022-08-22. Review status: criteria provided, single submitter. Criteria: Invitae Variant Classification Sherloc (09022015). Collection method: clinical testing. Allele origin: germline.
Comment: This variant is not present in population databases (gnomAD no frequency). This sequence change creates a premature translational stop signal (p.Tyr335Thrfs*29) in the RAI1 gene. It is expected to result in an absent or disrupted protein product. Loss-of-function variants in RAI1 are known to be pathogenic (PMID: 21857958, 24715852). This variant has not been reported in the literature in individuals affected with RAI1-related conditions. For these reasons, this variant has been classified as Pathogenic.

Literature cited by the submitters: PubMed 21857958; PubMed 24715852.

NM_030665.4(RAI1):c.1002del (p.Tyr335fs)

Gene: RAI1 (retinoic acid induced 1; plus strand). Cytogenetic location: 17p11.2.
Variant type: Deletion.
Coding change: c.1002del on transcript NM_030665.4 (MANE Select); coding-DNA position 1002, one base deleted (C; older notation c.1002delC).
Protein change: p.Tyr335fs; shifts the reading frame from tyrosine 335.
Molecular consequence: frameshift variant.
Genome position (GRCh38, 1-based): chr17:17,793,950, C deleted. VCF-style (leftmost placement, unchanged base first): chr17-17793949-AC-A. GRCh37 (hg19) VCF-style: chr17-17697263-AC-A.
Other names: short protein forms Y335fs.
Identifiers: ClinVar variation 2026432 (VCV002026432.4), dbSNP rs2508572957, ClinGen allele CA2580092646.